The following is an entry in ClinVar:

ClinVar aggregate classification (germline): Pathogenic/Likely pathogenic. Review status: criteria provided, multiple submitters, no conflicts (2 of 4 stars). 9 submissions from 9 submitters: Pathogenic (4); Likely pathogenic (4). 1 of the submissions does not count toward it. Last evaluated 2026-04-29.

Conditions:
Mitochondrial trifunctional protein deficiency 1 (MTPD1). Identifiers: MedGen CN376812, MONDO:0958181, OMIM 609015.
Mitochondrial trifunctional protein deficiency 2 (MTPD2). Identifiers: MedGen C5830374, MONDO:0958185, OMIM 620300.
Mitochondrial trifunctional protein deficiency. Identifiers: Orphanet 746, MedGen C1969443, MONDO:0012172.

Allele frequency attached by ClinVar (database versions not stated): gnomAD 0.00005; gnomAD exomes 0.00005 and 0.00006; TOPMed 0.00006; ExAC 0.00005.

Submissions (9):

Victorian Clinical Genetics Services, Murdoch Childrens Research Institute
Classification: Pathogenic for Mitochondrial trifunctional protein deficiency 2. Last evaluated: 2026-04-29. Review status: criteria provided, single submitter. Criteria: ACMG Guidelines, 2015. Collection method: clinical testing. Allele origin: germline. Affected: no.
Comment: This variant is classified as Pathogenic. Evidence in support of pathogenic classification: Variant is present in gnomAD <0.01 for a recessive condition (v4: 81 heterozygote(s), 0 homozygote(s)); This variant has strong previous evidence of pathogenicity in unrelated individuals. This variant has been classified as likely pathogenic and pathogenic multiple times by clinical laboratories in ClinVar. This variant has been reported in compound heterozygous individuals with mitochondrial trifunctional protein deficiency (PMIDs: 35383965, 38263760, 12754706); Another missense variant(s) comparable to the one identified in this case has moderate previous evidence for pathogenicity. p.(Arg61Cys) has been classified as likely pathogenic and pathogenic by multiple clinical laboratories (ClinVar). Additionally, this variant has been reported in compound heterozygous and homozygous individuals with mitochondrial trifunctional protein deficiency (PMIDs: 35383965, 12754706); Missense variant predicted to be damaging by in silico tool(s) or highly conserved with a major amino acid change. Additional information: Variant is predicted to result in a missense amino acid change from Arg to His; This variant is heterozygous; This gene is associated with autosomal recessive disease; Alternative amino acid change(s) at the same position are present in gnomAD (highest allele count: v4: 23 heterozygote(s), 0 homozygote(s)); Variant is located in the annotated thiolase, N-terminal domain (DECIPHER); Loss of function is a known mechanism of disease in this gene and is associated with mitochondrial trifunctional protein deficiency 2 (MIM#620300).

Dasa
Classification: Pathogenic. Last evaluated: 2026-04-18. Review status: criteria provided, single submitter. Criteria: DASA Assertion Criteria. Collection method: clinical testing. Allele origin: germline.
Comment: NM_000183.3(HADHB):c.182G>A (p.Arg61His) is a missense variant that results in the substitution of arginine with histidine. The affected residue or protein region has prior evidence supporting clinical relevance. This variant has been observed in affected individuals with related phenotype in a genotype context consistent with recessive disease (PMID: 38263760; PMID: 12754706; PMID: 16423905; PMID: 8651282). Functional evidence supports a deleterious effect on the gene or gene product (PMID: 38263760; PMID: 12754706; PMID: 16423905; PMID: 8651282). This variant has been recurrently observed in individuals with related phenotype (PMID: 38263760; PMID: 12754706; PMID: 16423905; PMID: 8651282). Multiple computational predictions support a deleterious effect on the gene or gene product. The variant is present at low frequency in population datasets. Based on the available data, this variant is classified as pathogenic.

GeneDx
Classification: Likely pathogenic. Last evaluated: 2025-09-04. Review status: criteria provided, single submitter. Criteria: GeneDx Variant Classification Process June 2021. Collection method: clinical testing. Allele origin: germline. Affected: yes.
Comment: Not observed at significant frequency in large population cohorts (gnomAD); In silico analysis supports that this missense variant has a deleterious effect on protein structure/function; This variant is associated with the following publications: (PMID: 8651282, 25087612, 28112527, 29915090, 31589614, 35383965, 35782614, 12754706, 38263760, 39088276, 36456540, 32778825)

Revvity Omics, Revvity
Classification: Likely pathogenic for Mitochondrial trifunctional protein deficiency 2. Last evaluated: 2024-08-29. Review status: criteria provided, single submitter. Criteria: ACMG Guidelines, 2015. Collection method: clinical testing. Allele origin: germline.

Baylor Genetics
Classification: Pathogenic for Mitochondrial trifunctional protein deficiency 1. Last evaluated: 2024-03-17. Review status: criteria provided, single submitter. Criteria: ACMG Guidelines, 2015. Collection method: clinical testing. Allele origin: unknown.

Labcorp Genetics (formerly Invitae), Labcorp
Classification: Pathogenic for Mitochondrial trifunctional protein deficiency. Last evaluated: 2024-02-26. Review status: criteria provided, single submitter. Criteria: Invitae Variant Classification Sherloc (09022015). Collection method: clinical testing. Allele origin: germline.
Comment: This sequence change replaces arginine, which is basic and polar, with histidine, which is basic and polar, at codon 61 of the HADHB protein (p.Arg61His). This variant is present in population databases (rs121913132, gnomAD 0.01%). This missense change has been observed in individual(s) with mitochondrial trifunctional protein deficiency (PMID: 8651282, 12754706, 16423905). In at least one individual the data is consistent with being in trans (on the opposite chromosome) from a pathogenic variant. This variant is also known as R28H and 185G>A (R62H). ClinVar contains an entry for this variant (Variation ID: 14845). Advanced modeling of protein sequence and biophysical properties (such as structural, functional, and spatial information, amino acid conservation, physicochemical variation, residue mobility, and thermodynamic stability) performed at Invitae indicates that this missense variant is expected to disrupt HADHB protein function with a positive predictive value of 80%. This variant disrupts the p.Arg61 (also known as p.Arg28) amino acid residue in HADHB. Other variant(s) that disrupt this residue have been determined to be pathogenic (PMID: 12754706). This suggests that this residue is clinically significant, and that variants that disrupt this residue are likely to be disease-causing. For these reasons, this variant has been classified as Pathogenic.

Fulgent Genetics
Classification: Likely pathogenic for Mitochondrial trifunctional protein deficiency 1. Last evaluated: 2022-03-26. Review status: criteria provided, single submitter. Criteria: ACMG Guidelines, 2015. Collection method: clinical testing. Allele origin: unknown.

Laboratorio de Genetica e Diagnostico Molecular, Hospital Israelita Albert Einstein
Classification: Likely pathogenic for Mitochondrial trifunctional protein deficiency 2. Last evaluated: 2021-06-21. Review status: criteria provided, single submitter. Criteria: ACMG Guidelines, 2015. Collection method: clinical testing. Allele origin: germline. Affected: yes.
Comment: ACMG classification criteria: PS4 moderate, PM2 moderate, PM3 supporting, PP3 supporting

OMIM
Classification: Pathogenic for MITOCHONDRIAL TRIFUNCTIONAL PROTEIN DEFICIENCY 2. Last evaluated: 1996-05-01. Review status: no assertion criteria provided. Collection method: literature only. Allele origin: germline. Not counted in ClinVar's aggregate classification.

Literature cited by the submitters: PubMed 35383965 (cited by Victorian Clinical Genetics Services, Murdoch Childrens Research Institute); PubMed 12754706 (cited by 3 submitters); PubMed 38263760 (cited by Victorian Clinical Genetics Services, Murdoch Childrens Research Institute and Dasa); PubMed 16423905 (cited by Dasa and Labcorp Genetics (formerly Invitae), Labcorp); PubMed 8651282 (cited by 3 submitters).

NM_000183.3(HADHB):c.182G>A (p.Arg61His)

Gene: HADHB (hydroxyacyl-CoA dehydrogenase trifunctional multienzyme complex subunit beta; plus strand). Cytogenetic location: 2p23.3.
Variant type: single nucleotide variant.
Coding change: c.182G>A on transcript NM_000183.3 (MANE Select); coding-DNA position 182, G replaced by A.
Protein change: p.Arg61His; replaces arginine 61 with histidine.
Molecular consequence: missense variant.
Genome position (GRCh38, 1-based): chr2:26,263,452, G>A. VCF-style: chr2-26263452-G-A. GRCh37 (hg19) VCF-style: chr2-26486320-G-A.
Other names: c.182G>A, p.Arg61His (NM_001281512.2); c.116G>A, p.Arg39His (NM_001281513.2); short protein forms R61H, R39H.
Identifiers: ClinVar variation 14845 (VCV000014845.22), dbSNP rs121913132, ClinGen allele CA341339.